The following is an entry in ClinVar:

ClinVar aggregate classification (germline): Uncertain significance (1 of 4 stars; one submission).

Allele frequency attached by ClinVar (database versions not stated): gnomAD exomes below 0.00001 and 0.00001.

Submission:

Labcorp Genetics (formerly Invitae), Labcorp
Classification: Uncertain significance. Last evaluated: 2022-10-13. Review status: criteria provided, single submitter. Criteria: Invitae Variant Classification Sherloc (09022015). Collection method: clinical testing. Allele origin: germline.
Comment: This sequence change replaces arginine, which is basic and polar, with histidine, which is basic and polar, at codon 3224 of the SZT2 protein (p.Arg3224His). The frequency data for this variant in the population databases is considered unreliable, as metrics indicate poor data quality at this position in the gnomAD database. This variant has not been reported in the literature in individuals affected with SZT2-related conditions. ClinVar contains an entry for this variant (Variation ID: 1525127). Advanced modeling of protein sequence and biophysical properties (such as structural, functional, and spatial information, amino acid conservation, physicochemical variation, residue mobility, and thermodynamic stability) performed at Invitae indicates that this missense variant is expected to disrupt SZT2 protein function. In summary, the available evidence is currently insufficient to determine the role of this variant in disease. Therefore, it has been classified as a Variant of Uncertain Significance.

NM_001365999.1(SZT2):c.9842G>A (p.Arg3281His)

Genes: SZT2 (SZT2 subunit of KICSTOR complex; plus strand), SZT2-AS1 (SZT2 antisense RNA 1; minus strand). Cytogenetic location: 1p34.2.
Variant type: single nucleotide variant.
Coding change: c.9842G>A on transcript NM_001365999.1 (MANE Select); coding-DNA position 9842, G replaced by A.
Protein change: p.Arg3281His; replaces arginine 3281 with histidine.
Molecular consequence: missense variant. On other transcripts: non-coding transcript variant (1).
Genome position (GRCh38, 1-based): chr1:43,448,357, G>A. VCF-style: chr1-43448357-G-A. GRCh37 (hg19) VCF-style: chr1-43914028-G-A.
Other names: c.9671G>A, p.Arg3224His (NM_015284.4); short protein forms R3281H, R3224H.
Identifiers: ClinVar variation 1525127 (VCV001525127.5), dbSNP rs940069079, ClinGen allele CA21653393.